The following is an entry in ClinVar:

NM_003754.3(EIF3F):c.591C>T (p.Pro197=)

Gene: EIF3F (eukaryotic translation initiation factor 3 subunit F; plus strand). Cytogenetic location: 11p15.4.
Variant type: single nucleotide variant.
Coding change: c.591C>T on transcript NM_003754.3 (MANE Select); coding-DNA position 591, C replaced by T.
Protein change: p.Pro197=; no amino-acid change (proline 197 retained).
Molecular consequence: synonymous variant.
Genome position (GRCh38, 1-based): chr11:7,992,962, C>T. VCF-style: chr11-7992962-C-T. GRCh37 (hg19) VCF-style: chr11-8014509-C-T.
Other names: c.591C>T (NM_003754.2).
Identifiers: ClinVar variation 2692445 (VCV002692445.4), dbSNP rs143747261, ClinGen allele CA5870585.
Genomic context (GRCh38, chr11:7,992,962, plus strand): 5'-TGACATCACAGAGCACTCTGTGCTGATCCACGAGTACTACAGCCGAGAGGCCCCCAACCC[C>T]ATCCACCTCACTGTGGACACAAGTCTCCAGAACGGCCGCATGAGCATCAAAGCCTACGTC-3'
Protein context (NP_003745.1, residues 187-207): HEYYSREAPN[Pro197=]IHLTVDTSLQ

ClinVar aggregate classification (germline): Conflicting classifications of pathogenicity. Review status: criteria provided, conflicting classifications (1 of 4 stars). 3 submissions from 3 submitters: Uncertain significance (1); Likely benign (1). 1 of the submissions does not count toward it. Last evaluated 2024-04-12.

Conditions:
EIF3F-related disorder. Also called: EIF3F-related condition.

Allele frequency attached by ClinVar (database versions not stated): gnomAD exomes 0.00006; ExAC 0.00011; 1000 Genomes Project 0.00020; 1000 Genomes Project 30x 0.00031; ESP Exome Variant Server 0.00031; gnomAD 0.00043; TOPMed 0.00054.
gnomAD v4.1: 152 of 1,613,298 alleles (0.0094%); highest among the groups gnomAD compares: African/African-American, 0.16%; no homozygotes.

Submissions (3):

Blueprint Genetics
Classification: Likely benign. Last evaluated: 2024-04-12. Review status: criteria provided, single submitter. Criteria: ACMG Guidelines, 2015. Collection method: clinical testing. Allele origin: germline.

Greenwood Genetic Center Diagnostic Laboratories, Greenwood Genetic Center
Classification: Uncertain significance. Last evaluated: 2023-11-06. Review status: criteria provided, single submitter. Criteria: ACMG Guidelines, 2015. Collection method: clinical testing. Allele origin: germline. Affected: yes.
Comment: PM2

PreventionGenetics, part of Exact Sciences
Classification: Likely benign for EIF3F-related condition. Last evaluated: 2019-08-22. Review status: no assertion criteria provided. Collection method: clinical testing. Allele origin: germline. Not counted in ClinVar's aggregate classification.
Comment: This variant is classified as likely benign based on ACMG/AMP sequence variant interpretation guidelines (Richards et al. 2015 PMID: 25741868, with internal and published modifications).